The following is an entry in ClinVar:

ClinVar aggregate classification (germline): Uncertain significance. Review status: criteria provided, multiple submitters, no conflicts (2 of 4 stars). 7 submissions from 7 submitters: Uncertain significance (6). 1 of the submissions does not count toward it. Last evaluated 2026-04-29.

Conditions:
Hereditary cancer-predisposing syndrome. Also called: Neoplastic Syndromes, Hereditary; Hereditary Cancer Syndrome; Hereditary neoplastic syndrome; Tumor predisposition. Identifiers: Orphanet 140162, MedGen C0027672, MeSH D009386, MONDO:0015356.
Hereditary pheochromocytoma and paraganglioma. Also called: Hereditary Paraganglioma-Pheochromocytoma Syndromes; Hereditary pheochromocytoma-paraganglioma; Hereditary paragangliomas and pheochromocytomas. Identifiers: Orphanet 29072, MedGen C4274332, MONDO:0017366.
Gastrointestinal stromal tumor. Also called: Gastrointestinal stromal tumor, somatic; Gastrointestinal stroma tumor. Identifiers: Orphanet 44890, MedGen C0238198, MeSH D046152, MONDO:0011719, OMIM 606764, HP:0100723.
Pheochromocytoma/paraganglioma syndrome 4. Also called: CAROTID BODY TUMORS AND MULTIPLE EXTRAADRENAL PHEOCHROMOCYTOMAS; SDHB-Related Hereditary Paraganglioma-Pheochromocytoma Syndrome (Paragangliomas 4); PARAGANGLIOMA, FAMILIAL MALIGNANT; PARAGANGLIOMAS, HEREDITARY EXTRAADRENAL; PHEOCHROMOCYTOMA, FAMILIAL EXTRAADRENAL; Paragangliomas 4. Identifiers: Orphanet 29072, MedGen C1861848, MONDO:0007273, OMIM 115310.
Pheochromocytoma. Also called: MAX-Related Hereditary Paraganglioma-Pheochromocytoma Syndrome. Identifiers: Orphanet 29072, MedGen C0031511, MONDO:0008233, OMIM 171300, HP:0002666.
Mitochondrial complex 2 deficiency, nuclear type 4. Also called: MITOCHONDRIAL COMPLEX II DEFICIENCY, NUCLEAR TYPE 4. Identifiers: MedGen C5543176, MONDO:0030974, OMIM 619224.

Allele frequency attached by ClinVar (database versions not stated): TOPMed below 0.00001; gnomAD 0.00001; gnomAD exomes 0.00003.

Submissions (7):

Ambry Genetics
Classification: Uncertain significance for Hereditary cancer-predisposing syndrome. Last evaluated: 2026-04-29. Review status: criteria provided, single submitter. Criteria: Ambry Variant Classification Scheme 2023. Collection method: clinical testing. Allele origin: germline.
Comment: The p.T250I variant (also known as c.749C>T), located in coding exon 7 of the SDHB gene, results from a C to T substitution at nucleotide position 749. The threonine at codon 250 is replaced by isoleucine, an amino acid with similar properties. This amino acid position is highly conserved in available vertebrate species. In addition, this alteration is predicted to be deleterious by in silico analysis. Based on the available evidence, the clinical significance of this variant remains unclear.

Labcorp Genetics (formerly Invitae), Labcorp
Classification: Uncertain significance for Gastrointestinal stromal tumor; Pheochromocytoma/paraganglioma syndrome 4; Pheochromocytoma. Last evaluated: 2025-11-07. Review status: criteria provided, single submitter. Criteria: Invitae Variant Classification Sherloc (09022015). Collection method: clinical testing. Allele origin: germline.
Comment: This sequence change replaces threonine, which is neutral and polar, with isoleucine, which is neutral and non-polar, at codon 250 of the SDHB protein (p.Thr250Ile). This variant is not present in population databases (gnomAD no frequency). This variant has not been reported in the literature in individuals affected with SDHB-related conditions. ClinVar contains an entry for this variant (Variation ID: 371792). Invitae Evidence Modeling of protein sequence and biophysical properties (such as structural, functional, and spatial information, amino acid conservation, physicochemical variation, residue mobility, and thermodynamic stability) indicates that this missense variant is not expected to disrupt SDHB protein function with a negative predictive value of 80%. In summary, the available evidence is currently insufficient to determine the role of this variant in disease. Therefore, it has been classified as a Variant of Uncertain Significance.

Color Diagnostics, LLC DBA Color Health
Classification: Uncertain significance for Hereditary pheochromocytoma and paraganglioma. Last evaluated: 2025-06-02. Review status: criteria provided, single submitter. Criteria: ACMG Guidelines, 2015. Collection method: clinical testing. Allele origin: germline.
Comment: This missense variant replaces threonine with isoleucine at codon 250 of the SDHB protein. Computational prediction suggests that this variant may have deleterious impact on protein structure and function. To our knowledge, functional studies have not been reported for this variant. This variant has not been reported in individuals affected with SDHB-related disorders in the literature. This variant has not been identified in the general population by the Genome Aggregation Database (gnomAD). The available evidence is insufficient to determine the role of this variant in disease conclusively. Therefore, this variant is classified as a Variant of Uncertain Significance.

Baylor Genetics
Classification: Uncertain significance for Gastrointestinal stromal tumor. Last evaluated: 2024-02-06. Review status: criteria provided, single submitter. Criteria: ACMG Guidelines, 2015. Collection method: clinical testing. Allele origin: unknown.

Sema4
Classification: Uncertain significance for Hereditary cancer-predisposing syndrome. Last evaluated: 2022-01-30. Review status: criteria provided, single submitter. Criteria: Sema4 Curation Guidelines. Collection method: curation. Allele origin: germline.
Comment: The SDHB c.749C>T (p.T250I) variant has not been reported in the literature to our knowledge. It was not observed in the large and broad cohorts of the Genome Aggregation Database (PMID: 32461654). The variant has been reported in ClinVar (Variation ID: 371792). In silico tools suggest the impact of the variant on protein function is deleterious, though these predictions have not been confirmed by functional studies. The evidence is insufficient to meet ACMG/AMP criteria for classifying the variant as benign or pathogenic. Thus, the clinical significance of this variant is currently uncertain.

Neuberg Centre For Genomic Medicine, NCGM
Classification: Uncertain significance for Mitochondrial complex 2 deficiency, nuclear type 4. Review status: criteria provided, single submitter. Criteria: ACMG Guidelines, 2015. Collection method: clinical testing. Allele origin: germline. Affected: yes.
Comment: The missense variant p.T250I in SDHB (NM_003000.3) has been submitted to ClinVar as Uncertain Significance. It has not been reported previously in affected individuals. The p.T250I variant is novel (not in any individuals) in gnomAD Exomes and is novel (not in any individuals) in 1000 Genomes. There is a moderate physicochemical difference between threonine and isoleucine. The p.T250I missense variant is predicted to be damaging by both SIFT and PolyPhen2. The threonine residue at codon 250 of SDHB is conserved in all mammalian species. The nucleotide c.749 in SDHB is predicted conserved by GERP++ and PhyloP across 100 vertebrates. For these reasons, this variant has been classified as Uncertain Significance.

Counsyl
Classification: Uncertain significance for Pheochromocytoma/paraganglioma syndrome 4. Last evaluated: 2015-11-23. Review status: no assertion criteria provided. Collection method: clinical testing. Allele origin: unknown. Not counted in ClinVar's aggregate classification.

NM_003000.3(SDHB):c.749C>T (p.Thr250Ile)

Gene: SDHB (succinate dehydrogenase complex iron sulfur subunit B; minus strand). Cytogenetic location: 1p36.13.
Variant type: single nucleotide variant.
Coding change: c.749C>T on transcript NM_003000.3 (MANE Select); coding-DNA position 749, C replaced by T.
Protein change: p.Thr250Ile; replaces threonine 250 with isoleucine.
Molecular consequence: missense variant.
Genome position (GRCh38, 1-based): chr1:17,022,624, G>A on the plus strand (C>T on the coding strand, the complement: SDHB is on the minus strand). VCF-style: chr1-17022624-G-A. GRCh37 (hg19) VCF-style: chr1-17349119-G-A.
Other names: short protein forms T250I.
Identifiers: ClinVar variation 371792 (VCV000371792.19), dbSNP rs1057517537, ClinGen allele CA16042051.
Genomic context (GRCh38, chr1:17,022,624, plus strand): 5'-GTGTCAGCTCTGAGGCAGAGCTGAGGGTCACCAGCCCCACGTACCTTAGGACAGGTCCTT[G>A]TGCAGTTCATGATGGTGTGGCAGCGGTATAGAGAGAATGGGTCCTGCAGCTTGGCCAGGC-3'
Protein context (NP_002991.2, residues 240-260): LYRCHTIMNC[Thr250Ile]RTCPKGLNPG